The following is an entry in ClinVar:

NM_001165963.4(SCN1A):c.4916G>T (p.Arg1639Leu)

Genes: SCN1A (sodium voltage-gated channel alpha subunit 1; minus strand), LOC102724058 (uncharacterized LOC102724058; plus strand). Cytogenetic location: 2q24.3.
Variant type: single nucleotide variant.
Coding change: c.4916G>T on transcript NM_001165963.4 (MANE Select); coding-DNA position 4916, G replaced by T.
Protein change: p.Arg1639Leu; replaces arginine 1639 with leucine.
Molecular consequence: missense variant. On other transcripts: non-coding transcript variant (1).
Genome position (GRCh38, 1-based): chr2:165,992,359, C>A on the plus strand (G>T on the coding strand, the complement: SCN1A is on the minus strand). VCF-style: chr2-165992359-C-A. GRCh37 (hg19) VCF-style: chr2-166848869-C-A.
Other names: c.4832G>T, p.Arg1611Leu (NM_001165964.3, NM_001353957.2, NM_001353958.2); c.4916G>T, p.Arg1639Leu (NM_001202435.3, NM_001353948.2); c.4883G>T, p.Arg1628Leu (NM_001353949.2, NM_001353950.2, NM_001353951.2 and 2 more transcripts); c.4880G>T, p.Arg1627Leu (NM_001353954.2, NM_001353955.2); c.4829G>T, p.Arg1610Leu (NM_001353960.2); c.2474G>T, p.Arg825Leu (NM_001353961.2); short protein forms R1610L, R1611L, R1627L, R1628L, R1639L, R825L.
Identifiers: ClinVar variation 4800259 (VCV004800259.1).
Genomic context (GRCh38, chr2:165,992,359, plus strand): 5'-AGCGTGCGGATCCCCTTTGCTCCTTTGATCAGACGTAGGATTCGGCCAATCCTAGCAAGA[C>A]GGATCACTCGGAACAGGGTAGGGGACACGAAATACTTTTCTATCAGCTCGGCAAGAAACA-3'
Protein context (NP_001159435.1, residues 1629-1649): FVSPTLFRVI[Arg1639Leu]LARIGRILRL

ClinVar aggregate classification (germline): Likely pathogenic (1 of 4 stars; one submission).

Conditions:
Early-infantile DEE. Also called: Early infantile epileptic encephalopathy with suppression bursts; Early infantile epileptic encephalopathy; Ohtahara syndrome. Identifiers: Orphanet 1934, MedGen C0393706, MONDO:0800491.

Submission:

Labcorp Genetics (formerly Invitae), Labcorp
Classification: Likely pathogenic for Early-infantile DEE. Last evaluated: 2025-03-25. Review status: criteria provided, single submitter. Criteria: Invitae Variant Classification Sherloc (09022015). Collection method: clinical testing. Allele origin: germline.
Comment: This sequence change replaces arginine, which is basic and polar, with leucine, which is neutral and non-polar, at codon 1639 of the SCN1A protein (p.Arg1639Leu). This variant is not present in population databases (gnomAD no frequency). This variant has not been reported in the literature in individuals affected with SCN1A-related conditions. Invitae Evidence Modeling of protein sequence and biophysical properties (such as structural, functional, and spatial information, amino acid conservation, physicochemical variation, residue mobility, and thermodynamic stability) indicates that this missense variant is expected to disrupt SCN1A protein function with a positive predictive value of 95%. This variant disrupts the p.Arg1639 amino acid residue in SCN1A. Other variant(s) that disrupt this residue have been determined to be pathogenic (PMID: 18930999, 35087721). This suggests that this residue is clinically significant, and that variants that disrupt this residue are likely to be disease-causing. In summary, the currently available evidence indicates that the variant is pathogenic, but additional data are needed to prove that conclusively. Therefore, this variant has been classified as Likely Pathogenic.

Literature cited by the submitters: PubMed 18930999; PubMed 35087721.